The following is an entry in ClinVar:

NM_201384.3(PLEC):c.6322C>T (p.Arg2108Trp)

Gene: PLEC (plectin; minus strand). Cytogenetic location: 8q24.3.
Variant type: single nucleotide variant.
Coding change: c.6322C>T on transcript NM_201384.3 (MANE Select); coding-DNA position 6322, C replaced by T.
Protein change: p.Arg2108Trp; replaces arginine 2108 with tryptophan.
Molecular consequence: missense variant.
Genome position (GRCh38, 1-based): chr8:143,923,607, G>A on the plus strand (C>T on the coding strand, the complement: PLEC is on the minus strand). VCF-style: chr8-143923607-G-A. GRCh37 (hg19) VCF-style: chr8-144997775-G-A.
Other names: c.6403C>T, p.Arg2135Trp (NM_000445.5); c.6280C>T, p.Arg2094Trp (NM_201378.4); c.6256C>T, p.Arg2086Trp (NM_201379.3); c.6733C>T, p.Arg2245Trp (NM_201380.4); c.6226C>T, p.Arg2076Trp (NM_201381.3); c.6322C>T, p.Arg2108Trp (NM_201382.4); c.6334C>T, p.Arg2112Trp (NM_201383.3); c.6403C>T (NM_000445.4, NM_000445.3); short protein forms R2135W, R2112W, R2094W, R2245W, R2076W, R2086W, R2108W.
Identifiers: ClinVar variation 1351288 (VCV001351288.10), dbSNP rs782205128, ClinGen allele CA4926038.

ClinVar aggregate classification (germline): Uncertain significance. Review status: criteria provided, multiple submitters, no conflicts (2 of 4 stars). 4 submissions from 4 submitters: Uncertain significance (4). Last evaluated 2025-08-04.

Conditions:
PLEC-related disorder. Also called: PLEC-related condition; PLEC-related disorders.
Epidermolysis bullosa simplex with nail dystrophy (EBS5D). Identifiers: MedGen C4225309, MONDO:0014661, OMIM 616487.
Epidermolysis bullosa simplex, Ogna type (EBS5A). Also called: Pidermolysis bullosa simplex 5A, Ogna type; EPIDERMOLYSIS BULLOSA SIMPLEX 5A, OGNA TYPE. Identifiers: Orphanet 79401, MedGen C0432317, MONDO:0007555, OMIM 131950.
Epidermolysis bullosa simplex 5B, with muscular dystrophy (EBS5B). Also called: EPIDERMOLYSIS BULLOSA SIMPLEX AND LIMB-GIRDLE MUSCULAR DYSTROPHY; Epidermolysis bullosa simplex with muscular dystrophy. Identifiers: Orphanet 257, MedGen C2931072, MONDO:0009181, OMIM 226670.
Autosomal recessive limb-girdle muscular dystrophy type 2Q (LGMDR17). Also called: MUSCULAR DYSTROPHY, LIMB-GIRDLE, AUTOSOMAL RECESSIVE 17. Identifiers: Orphanet 254361, MedGen C3150989, MONDO:0013390, OMIM 613723.
Epidermolysis bullosa simplex 5C, with pyloric atresia (EBS5C). Also called: PLEC-Related Epidermolysis Bullosa with Pyloric Atresia; Epidermolysis bullosa simplex with pyloric atresia; PLEC1-Related Epidermolysis Bullosa with Pyloric Atresia. Identifiers: Orphanet 158684, MedGen C2677349, MONDO:0012807, OMIM 612138.
Inborn genetic diseases. Identifiers: MedGen C0950123, MeSH D030342.

Allele frequency attached by ClinVar (database versions not stated): ExAC 0.00002; gnomAD exomes 0.00002; TOPMed 0.00003; gnomAD 0.00005; 1000 Genomes Project 30x 0.00031.
gnomAD v4.1: 31 of 1,592,818 alleles (0.0019%); highest among the groups gnomAD compares: Admixed American, 0.0067%; no homozygotes.

Submissions (4):

Revvity Omics, Revvity
Classification: Uncertain significance. Last evaluated: 2025-08-04. Review status: criteria provided, single submitter. Criteria: ACMG Guidelines, 2015. Collection method: clinical testing. Allele origin: germline.

Labcorp Genetics (formerly Invitae), Labcorp
Classification: Uncertain significance for Autosomal recessive limb-girdle muscular dystrophy type 2Q; Epidermolysis bullosa simplex, Ogna type; Epidermolysis bullosa simplex with nail dystrophy; Epidermolysis bullosa simplex 5C, with pyloric atresia; Epidermolysis bullosa simplex 5B, with muscular dystrophy. Last evaluated: 2025-06-23. Review status: criteria provided, single submitter. Criteria: Invitae Variant Classification Sherloc (09022015). Collection method: clinical testing. Allele origin: germline.
Comment: This sequence change replaces arginine, which is basic and polar, with tryptophan, which is neutral and slightly polar, at codon 2135 of the PLEC protein (p.Arg2135Trp). This variant is present in population databases (rs782205128, gnomAD 0.006%). This variant has not been reported in the literature in individuals affected with PLEC-related conditions. ClinVar contains an entry for this variant (Variation ID: 1351288). An algorithm developed to predict the effect of missense changes on protein structure and function (PolyPhen-2) suggests that this variant is likely to be tolerated. In summary, the available evidence is currently insufficient to determine the role of this variant in disease. Therefore, it has been classified as a Variant of Uncertain Significance.

PreventionGenetics, part of Exact Sciences
Classification: Uncertain significance for PLEC-related condition. Last evaluated: 2025-01-15. Review status: criteria provided, single submitter. Criteria: ACMG Guidelines, 2015. Collection method: clinical testing. Allele origin: germline.
Comment: The PLEC c.6403C>T variant is predicted to result in the amino acid substitution p.Arg2135Trp. To our knowledge, this variant has not been reported in the literature. This variant is reported in 0.0058% of alleles in individuals of Latino descent in gnomAD. At this time, the clinical significance of this variant is uncertain due to the absence of conclusive functional and genetic evidence.

Ambry Genetics
Classification: Uncertain significance for Inborn genetic diseases. Last evaluated: 2024-05-16. Review status: criteria provided, single submitter. Criteria: Ambry Variant Classification Scheme 2023. Collection method: clinical testing. Allele origin: germline.